The following is an entry in ClinVar:

NM_001127178.3(PIGG):c.1654CTT[1] (p.Leu553del)

Gene: PIGG (phosphatidylinositol glycan anchor biosynthesis class G (EMM blood group); plus strand). Cytogenetic location: 4p16.3.
Variant type: Microsatellite.
Coding change: c.1654CTT[1] on transcript NM_001127178.3 (MANE Select); one copy of the 3-base unit CTT starting at c.1654; the reference has two copies in a row; one copy, 3 bases deleted.
Protein change: p.Leu553del; deletes leucine 553.
Molecular consequence: inframe deletion. On other transcripts: non-coding transcript variant (7).
Genome position (GRCh38, 1-based): chr4:523,501-523,503, CTT deleted; deleting any 3 consecutive bases within chr4:523,498-523,503 gives the same sequence; the position shown is the placement nearest the transcript's 3' end. VCF-style (leftmost placement, unchanged base first): chr4-523497-CCTT-C. GRCh37 (hg19) VCF-style: chr4-517286-CCTT-C.
Other names: c.1387CTT[1], p.Leu464del (NM_001289051.2, NM_001345986.2); c.1255CTT[1], p.Leu420del (NM_001289052.2); c.1363CTT[1], p.Leu456del (NM_001345987.2); c.625CTT[1], p.Leu210del (NM_001345988.2); c.121CTT[1], p.Leu42del (NM_001345990.2, NM_001345991.2); c.556CTT[1], p.Leu187del (NM_001345994.2); c.1630CTT[1], p.Leu545del (NM_017733.5); short protein forms L210del, L420del, L464del, L42del, L187del, L545del, L456del, L553del.
Identifiers: ClinVar variation 1514347 (VCV001514347.5), dbSNP rs774246524, ClinGen allele CA2793425.

ClinVar aggregate classification (germline): Uncertain significance (1 of 4 stars; one submission).

Conditions:
Intellectual disability, autosomal recessive 53 (NEDHSCA). Also called: NEURODEVELOPMENTAL DISORDER WITH OR WITHOUT HYPOTONIA, SEIZURES, AND CEREBELLAR ATROPHY; GLYCOSYLPHOSPHATIDYLINOSITOL BIOSYNTHESIS DEFECT 13; Mental retardation, autosomal recessive 53. Identifiers: Orphanet 488635, MedGen C4310794, MONDO:0014832, OMIM 616917.

Submission:

Labcorp Genetics (formerly Invitae), Labcorp
Classification: Uncertain significance for Intellectual disability, autosomal recessive 53. Last evaluated: 2021-08-26. Review status: criteria provided, single submitter. Criteria: Invitae Variant Classification Sherloc (09022015). Collection method: clinical testing. Allele origin: germline.
Comment: This variant, c.1657_1659del, results in the deletion of 1 amino acid(s) of the PIGG protein (p.Leu553del), but otherwise preserves the integrity of the reading frame. This variant is present in population databases (rs774246524, ExAC 0.003%). This variant has not been reported in the literature in individuals affected with PIGG-related conditions. Experimental studies and prediction algorithms are not available or were not evaluated, and the functional significance of this variant is currently unknown. In summary, the available evidence is currently insufficient to determine the role of this variant in disease. Therefore, it has been classified as a Variant of Uncertain Significance.